The following is an entry in ClinVar:

NM_001376.5(DYNC1H1):c.11259G>A (p.Leu3753=)

Gene: DYNC1H1 (dynein cytoplasmic 1 heavy chain 1; plus strand). Cytogenetic location: 14q32.31.
Variant type: single nucleotide variant.
Coding change: c.11259G>A on transcript NM_001376.5 (MANE Select); coding-DNA position 11259, G replaced by A.
Protein change: p.Leu3753=; no amino-acid change (leucine 3753 retained).
Molecular consequence: synonymous variant.
Genome position (GRCh38, 1-based): chr14:102,039,053, G>A. VCF-style: chr14-102039053-G-A. GRCh37 (hg19) VCF-style: chr14-102505390-G-A.
Identifiers: ClinVar variation 2740849 (VCV002740849.4), dbSNP rs1401773071, ClinGen allele CA488185941.

ClinVar aggregate classification (germline): Likely benign. Review status: criteria provided, multiple submitters, no conflicts (2 of 4 stars). 2 submissions from 2 submitters: Likely benign (2). Last evaluated 2026-09-21.

Conditions:
Charcot-Marie-Tooth disease axonal type 2O. Also called: CHARCOT-MARIE-TOOTH NEUROPATHY, AXONAL, TYPE 2O; CHARCOT-MARIE-TOOTH DISEASE, AXONAL, AUTOSOMAL DOMINANT, TYPE 2O; Charcot-Marie-Tooth Neuropathy Type 2O; Charcot-Marie-Tooth disease, axonal, type 20. Identifiers: Orphanet 284232, MedGen C3280220, MONDO:0013644, OMIM 614228.
DYNC1H1-related disorder. Also called: DYNC1H1-related condition; DYNC1H1-related disorders. Identifiers: MedGen CN381529.

Allele frequency attached by ClinVar (database versions not stated): gnomAD exomes 0.00001; TOPMed 0.00001.
gnomAD v4.1: 16 of 1,614,192 alleles (0.00099%); highest among the groups gnomAD compares: Non-Finnish European, 0.0014%; no homozygotes.

Submissions (2):

PreventionGenetics, part of Exact Sciences
Classification: Likely benign for DYNC1H1-related condition. Last evaluated: 2026-09-21. Review status: criteria provided, single submitter. Criteria: ACMG Guidelines, 2015. Collection method: clinical testing. Allele origin: germline.
Comment: This variant is classified as likely benign based on ACMG/AMP sequence variant interpretation guidelines (Richards et al. 2015 PMID: 25741868, with internal and published modifications).

Labcorp Genetics (formerly Invitae), Labcorp
Classification: Likely benign for Charcot-Marie-Tooth disease axonal type 2O. Last evaluated: 2023-03-18. Review status: criteria provided, single submitter. Criteria: Invitae Variant Classification Sherloc (09022015). Collection method: clinical testing. Allele origin: germline.